The following is an entry in ClinVar:

ClinVar aggregate classification (germline): Uncertain significance. Review status: criteria provided, multiple submitters, no conflicts (2 of 4 stars). 2 submissions from 2 submitters: Uncertain significance (2). Last evaluated 2026-06-15.

Conditions:
Cardiovascular phenotype. Identifiers: MedGen CN230736.

gnomAD v4.1: 13 of 1,610,206 alleles (0.00081%); highest among the groups gnomAD compares: South Asian, 0.0033%; no homozygotes.

Submissions (2):

Women's Health and Genetics/Laboratory Corporation of America, LabCorp
Classification: Uncertain significance. Last evaluated: 2026-06-15. Review status: criteria provided, single submitter. Criteria: LabCorp Variant Classification Summary - May 2015. Collection method: clinical testing. Allele origin: germline.

Ambry Genetics
Classification: Uncertain significance for Cardiovascular phenotype. Last evaluated: 2024-09-08. Review status: criteria provided, single submitter. Criteria: Ambry Variant Classification Scheme 2023. Collection method: clinical testing. Allele origin: germline.
Comment: The p.R2597W variant (also known as c.7789C>T), located in coding exon 21 of the TNXB gene, results from a C to T substitution at nucleotide position 7789. The arginine at codon 2597 is replaced by tryptophan, an amino acid with dissimilar properties. This amino acid position is conserved. In addition, this alteration is predicted to be tolerated by in silico analysis. Based on the available evidence, the clinical significance of this variant remains unclear.

NM_001365276.2(TNXB):c.7789C>T (p.Arg2597Trp)

Gene: TNXB (tenascin XB; minus strand). Cytogenetic location: 6p21.33.
Variant type: single nucleotide variant.
Coding change: c.7789C>T on transcript NM_001365276.2 (MANE Select); coding-DNA position 7789, C replaced by T.
Protein change: p.Arg2597Trp; replaces arginine 2597 with tryptophan.
Molecular consequence: missense variant.
Genome position (GRCh38, 1-based): chr6:32,058,094, G>A on the plus strand (C>T on the coding strand, the complement: TNXB is on the minus strand). VCF-style: chr6-32058094-G-A. GRCh37 (hg19) VCF-style: chr6-32025871-G-A.
Other names: c.8530C>T, p.Arg2844Trp (NM_001428335.1); c.7789C>T, p.Arg2597Trp (NM_019105.8); short protein forms R2844W, R2597W.
Identifiers: ClinVar variation 3459787 (VCV003459787.2).
Genomic context (GRCh38, chr6:32,058,094, plus strand): 5'-CCTGCCCCACCCACACTCACTCACCTGTGACGCCCACGGCAGACACCGGGCCCAGGCGCC[G>A]CCCCTCGTGGAGGCCGTACAGGTGCATCTTGTACTTGCGCCCAGGCTCCAGGCCCCTCAC-3'
Protein context (NP_001352205.1, residues 2587-2607): KMHLYGLHEG[Arg2597Trp]RLGPVSAVGV